The following is an entry in ClinVar:

ClinVar aggregate classification (germline): Benign. Review status: criteria provided, multiple submitters, no conflicts (2 of 4 stars). 3 submissions from 2 submitters: Benign (3). Last evaluated 2021-05-10.

Conditions:
Seckel syndrome 4 (SCKL4). Identifiers: Orphanet 808, MedGen C3888212, MONDO:0013358, OMIM 613676.
Microcephaly 6, primary, autosomal recessive. Identifiers: Orphanet 2512, MedGen C1842109, MONDO:0012029, OMIM 608393.

Allele frequency attached by ClinVar (database versions not stated): 1000 Genomes Project 30x 0.08120; 1000 Genomes Project 0.08167; gnomAD exomes 0.08304; TOPMed 0.12200; gnomAD 0.12412 and 0.12574.
gnomAD v4.1: 18,890 of 152,728 alleles (12%); highest among the groups gnomAD compares: Middle Eastern, 16%; 1,262 homozygotes.

Submissions (3):

GeneDx
Classification: Benign. Last evaluated: 2021-05-10. Review status: criteria provided, single submitter. Criteria: GeneDx Variant Classification Process June 2021. Collection method: clinical testing. Allele origin: germline. Affected: yes.

Illumina Laboratory Services, Illumina
Classification: Benign for Seckel syndrome 4. Last evaluated: 2018-01-13. Review status: criteria provided, single submitter. Criteria: ICSL Variant Classification Criteria 13 December 2019. Collection method: clinical testing. Allele origin: germline.
Comment: This variant was observed in the ICSL laboratory as part of a predisposition screen in an ostensibly healthy population. It had not been previously curated by ICSL or reported in the Human Gene Mutation Database (HGMD: prior to June 1st, 2018), and was therefore a candidate for classification through an automated scoring system. Utilizing variant allele frequency, disease prevalence and penetrance estimates, and inheritance mode, an automated score was calculated to assess if this variant is too frequent to cause the disease. Based on the score and internal cut-off values, a variant classified as benign is not then subjected to further curation. The score for this variant resulted in a classification of benign for this disease.

Illumina Laboratory Services, Illumina
Classification: Benign for Microcephaly 6, primary, autosomal recessive. Last evaluated: 2018-01-13. Review status: criteria provided, single submitter. Criteria: ICSL Variant Classification Criteria 13 December 2019. Collection method: clinical testing. Allele origin: germline.
Comment: the same text as in the submission from Illumina Laboratory Services, Illumina above.

NM_018451.5(CPAP):c.*639T>C

Genes: RNF17 (ring finger protein 17; plus strand), CPAP (centrosome assembly and centriole elongation protein; minus strand). Cytogenetic location: 13q12.12.
Variant type: single nucleotide variant.
Coding change: c.*639T>C on transcript NM_018451.5 (MANE Select); 639 bases downstream of the stop codon, T replaced by C.
Molecular consequence: 3 prime UTR variant. On other transcripts: non-coding transcript variant (2).
Genome position (GRCh38, 1-based): chr13:24,882,538, A>G on the plus strand (T>C on the coding strand, the complement: CPAP is on the minus strand). VCF-style: chr13-24882538-A-G. GRCh37 (hg19) VCF-style: chr13-25456676-A-G.
Identifiers: ClinVar variation 311589 (VCV000311589.7), dbSNP rs61947515, ClinGen allele CA10644073.
Genomic context (GRCh38, chr13:24,882,538, plus strand): 5'-AGTAATCTCACTGTGGTAACATCAGGGTAGCTGTGGTCCATGGGTTAACACTGGCTAGTC[A>G]TCGTTCATGCCCCCCTCCACTCTCAAGTATCCCATTTTGAGACATTACATTACAAAGTCA-3'